The following is an entry in ClinVar:

ClinVar aggregate classification (germline): Benign (0 of 4 stars; one submission).

Conditions:
FSIP2-related disorder. Also called: FSIP2-related condition.

Allele frequency attached by ClinVar (database versions not stated): ExAC 0.00543; gnomAD 0.02183; TOPMed 0.02485; 1000 Genomes Project 0.02875; 1000 Genomes Project 30x 0.03045.
gnomAD v4.1: 8,106 of 1,532,478 alleles (0.53%); highest among the groups gnomAD compares: African/African-American, 7.2%; 212 homozygotes.

Submission:

PreventionGenetics, part of Exact Sciences
Classification: Benign for FSIP2-related condition. Last evaluated: 2019-02-20. Review status: no assertion criteria provided. Collection method: clinical testing. Allele origin: germline.
Comment: This variant is classified as benign based on ACMG/AMP sequence variant interpretation guidelines (Richards et al. 2015 PMID: 25741868, with internal and published modifications).

NM_173651.4(FSIP2):c.11158G>C (p.Gly3720Arg)

Gene: FSIP2 (fibrous sheath interacting protein 2; plus strand). Cytogenetic location: 2q32.1.
Variant type: single nucleotide variant.
Coding change: c.11158G>C on transcript NM_173651.4 (MANE Select); coding-DNA position 11158, G replaced by C.
Protein change: p.Gly3720Arg; replaces glycine 3720 with arginine.
Molecular consequence: missense variant.
Genome position (GRCh38, 1-based): chr2:185,800,464, G>C. VCF-style: chr2-185800464-G-C. GRCh37 (hg19) VCF-style: chr2-186665191-G-C.
Other names: short protein forms G3720R.
Identifiers: ClinVar variation 3055379 (VCV003055379.2), dbSNP rs11892184, ClinGen allele CA2016945.